The following is an entry in ClinVar:

ClinVar aggregate classification (germline): Uncertain significance (1 of 4 stars; one submission).

Allele frequency attached by ClinVar (database versions not stated): gnomAD 0.00001; TOPMed 0.00001; gnomAD exomes 0.00003 and 0.00004.
gnomAD v4.1: 44 of 1,544,950 alleles (0.0028%); highest among the groups gnomAD compares: South Asian, 0.015%; no homozygotes.

Submission:

Labcorp Genetics (formerly Invitae), Labcorp
Classification: Uncertain significance. Last evaluated: 2021-10-14. Review status: criteria provided, single submitter. Criteria: Invitae Variant Classification Sherloc (09022015). Collection method: clinical testing. Allele origin: germline.
Comment: This sequence change replaces glutamine with histidine at codon 88 of the TONSL protein (p.Gln88His). The glutamine residue is weakly conserved and there is a small physicochemical difference between glutamine and histidine. This variant also falls at the last nucleotide of exon 3, which is part of the consensus splice site for this exon. The frequency data for this variant in the population databases is considered unreliable, as metrics indicate insufficient coverage at this position in the ExAC database. This variant has not been reported in the literature in individuals affected with TONSL-related conditions. Algorithms developed to predict the effect of missense changes on protein structure and function are either unavailable or do not agree on the potential impact of this missense change (SIFT: "Tolerated"; PolyPhen-2: "Possibly Damaging"; Align-GVGD: "Class C0"). Variants that disrupt the consensus splice site are a relatively common cause of aberrant splicing (PMID: 17576681, 9536098). Algorithms developed to predict the effect of sequence changes on RNA splicing suggest that this variant may disrupt the consensus splice site. In summary, the available evidence is currently insufficient to determine the role of this variant in disease. Therefore, it has been classified as a Variant of Uncertain Significance.

Literature cited by the submitters: PubMed 17576681; PubMed 9536098.

NM_013432.5(TONSL):c.264G>C (p.Gln88His)

Gene: TONSL (tonsoku like, DNA repair protein; minus strand). Cytogenetic location: 8q24.3.
Variant type: single nucleotide variant.
Coding change: c.264G>C on transcript NM_013432.5 (MANE Select); coding-DNA position 264, G replaced by C.
Protein change: p.Gln88His; replaces glutamine 88 with histidine.
Molecular consequence: missense variant.
Genome position (GRCh38, 1-based): chr8:144,443,882, C>G on the plus strand (G>C on the coding strand, the complement: TONSL is on the minus strand). VCF-style: chr8-144443882-C-G. GRCh37 (hg19) VCF-style: chr8-145669265-C-G.
Other names: short protein forms Q88H.
Identifiers: ClinVar variation 1449497 (VCV001449497.5), dbSNP rs1006613366, ClinGen allele CA187678445.
Genomic context (GRCh38, chr8:144,443,882, plus strand): 5'-CCTCAGAAAAGGGCTCCAGAGGCCGACCGGGCTGGACGAGGCCAGTGAGGGCGCCCGCAC[C>G]TGCAAGGCAGCCGGGTAGTCCTCCATCTCGGCCAGGCGCTCTCCGATCTTGCGGTGGGCC-3'
Protein context (NP_038460.4, residues 78-98): AEMEDYPAAL[Gln88His]HQHQYLELAH